The following is an entry in ClinVar:

NM_031372.4(HNRNPDL):c.986C>T (p.Ala329Val)

Gene: HNRNPDL (heterogeneous nuclear ribonucleoprotein D like; minus strand). Cytogenetic location: 4q21.22.
Variant type: single nucleotide variant.
Coding change: c.986C>T on transcript NM_031372.4 (MANE Select); coding-DNA position 986, C replaced by T.
Protein change: p.Ala329Val; replaces alanine 329 with valine.
Molecular consequence: missense variant. On other transcripts: non-coding transcript variant (1).
Genome position (GRCh38, 1-based): chr4:82,427,225, G>A on the plus strand (C>T on the coding strand, the complement: HNRNPDL is on the minus strand). VCF-style: chr4-82427225-G-A. GRCh37 (hg19) VCF-style: chr4-83348378-G-A.
Other names: c.986C>T, p.Ala329Val (NM_001207000.1); short protein forms A329V.
Identifiers: ClinVar variation 1408096 (VCV001408096.8), dbSNP rs2110028495, ClinGen allele CA357169506.

ClinVar aggregate classification (germline): Uncertain significance (1 of 4 stars; one submission).

Conditions:
Autosomal dominant limb-girdle muscular dystrophy type 1G (LGMDD3). Also called: MUSCULAR DYSTROPHY, LIMB-GIRDLE, AUTOSOMAL DOMINANT 3; Limb-girdle muscular dystrophy, type 1G. Identifiers: Orphanet 55596, MedGen C1836765, MONDO:0012193, OMIM 609115.

gnomAD v4.1: 1 of 1,613,720 alleles (0.000062%); highest among the groups gnomAD compares: East Asian, 0.0022%; no homozygotes.

Submission:

Labcorp Genetics (formerly Invitae), Labcorp
Classification: Uncertain significance for Autosomal dominant limb-girdle muscular dystrophy type 1G. Last evaluated: 2024-11-22. Review status: criteria provided, single submitter. Criteria: Invitae Variant Classification Sherloc (09022015). Collection method: clinical testing. Allele origin: germline.
Comment: This sequence change replaces alanine, which is neutral and non-polar, with valine, which is neutral and non-polar, at codon 329 of the HNRNPDL protein (p.Ala329Val). This variant is not present in population databases (gnomAD no frequency). This variant has not been reported in the literature in individuals affected with HNRNPDL-related conditions. ClinVar contains an entry for this variant (Variation ID: 1408096). An algorithm developed to predict the effect of missense changes on protein structure and function (PolyPhen-2) suggests that this variant is likely to be tolerated. In summary, the available evidence is currently insufficient to determine the role of this variant in disease. Therefore, it has been classified as a Variant of Uncertain Significance.